The following is an entry in ClinVar:

ClinVar aggregate classification (germline): Conflicting classifications of pathogenicity. Review status: criteria provided, conflicting classifications (1 of 4 stars). 2 submissions from 2 submitters: Uncertain significance (1); Likely benign (1). Last evaluated 2023-02-06.

Conditions:
Familial acute necrotizing encephalopathy (IIAE3). Also called: ENCEPHALOPATHY, ACUTE, INFECTION-INDUCED, SUSCEPTIBILITY TO, 3; Susceptibility to Acute Necrotizing Encephalopathy 1. Identifiers: Orphanet 88619, MedGen C2675556, MONDO:0011953, OMIM 608033.

Allele frequency attached by ClinVar (database versions not stated): ExAC 0.00002; gnomAD 0.00002; gnomAD exomes 0.00002.
gnomAD v4.1: 40 of 1,613,820 alleles (0.0025%); highest among the groups gnomAD compares: Non-Finnish European, 0.0032%; no homozygotes.

Submissions (2):

Ambry Genetics
Classification: Likely benign. Last evaluated: 2023-02-06. Review status: criteria provided, single submitter. Criteria: Ambry Variant Classification Scheme 2023. Collection method: clinical testing. Allele origin: germline.

Labcorp Genetics (formerly Invitae), Labcorp
Classification: Uncertain significance for Familial acute necrotizing encephalopathy. Last evaluated: 2020-11-03. Review status: criteria provided, single submitter. Criteria: Invitae Variant Classification Sherloc (09022015). Collection method: clinical testing. Allele origin: germline.
Comment: This variant is present in population databases (rs751118849, ExAC 0.004%). This sequence change replaces threonine with alanine at codon 1517 of the RANBP2 protein (p.Thr1517Ala). The threonine residue is weakly conserved and there is a small physicochemical difference between threonine and alanine. This variant has not been reported in the literature in individuals with RANBP2-related conditions. Algorithms developed to predict the effect of missense changes on protein structure and function output the following: SIFT: "Deleterious"; PolyPhen-2: "Benign"; Align-GVGD: "Class C0". The alanine amino acid residue is found in multiple mammalian species, suggesting that this missense change does not adversely affect protein function. These predictions have not been confirmed by published functional studies and their clinical significance is uncertain. Algorithms developed to predict the effect of sequence changes on RNA splicing suggest that this variant may create or strengthen a splice site, but this prediction has not been confirmed by published transcriptional studies. In summary, the available evidence is currently insufficient to determine the role of this variant in disease. Therefore, it has been classified as a Variant of Uncertain Significance.

NM_006267.5(RANBP2):c.4549A>G (p.Thr1517Ala)

Gene: RANBP2 (RAN binding protein 2; plus strand). Cytogenetic location: 2q13.
Variant type: single nucleotide variant.
Coding change: c.4549A>G on transcript NM_006267.5 (MANE Select); coding-DNA position 4549, A replaced by G.
Protein change: p.Thr1517Ala; replaces threonine 1517 with alanine.
Molecular consequence: missense variant.
Genome position (GRCh38, 1-based): chr2:108,765,088, A>G. VCF-style: chr2-108765088-A-G. GRCh37 (hg19) VCF-style: chr2-109381544-A-G.
Other names: c.4549A>G (NM_006267.4); short protein forms T1517A.
Identifiers: ClinVar variation 1494520 (VCV001494520.8), dbSNP rs751118849, ClinGen allele CA1823135.